The following is an entry in ClinVar:

NM_001983.4(ERCC1):c.23dup (p.Val10fs)

Gene: ERCC1 (ERCC excision repair 1, endonuclease non-catalytic subunit; minus strand). Cytogenetic location: 19q13.32.
Variant type: Duplication.
Coding change: c.23dup on transcript NM_001983.4 (MANE Select); coding-DNA position 23, one base duplicated (A; older notation c.23dupA).
Protein change: p.Val10fs; shifts the reading frame from valine 10.
Molecular consequence: frameshift variant.
Genome position (GRCh38, 1-based): chr19:45,423,352, T duplicated on the plus strand (A on the coding strand, the reverse complement: ERCC1 is on the minus strand). VCF-style (leftmost placement, unchanged base first): chr19-45423351-C-CT. GRCh37 (hg19) VCF-style: chr19-45926609-C-CT.
Other names: c.23dup, p.Val10fs (NM_001166049.2, NM_001369408.1, NM_001369409.1 and 11 more transcripts); short protein forms V10fs.
Identifiers: ClinVar variation 3391184 (VCV003391184.1).
Genomic context (GRCh38, chr19:45,423,351, plus strand): 5'-CTCGTCGAGGGGTATCACAAATTTCTTCCTTGCTGGCGGCCCTGAGGGCTGGGGCACCCC[C>CT]TCTTTGTCCTTCCCAGGGTCCATCTGGAGCCTGAAAGGGAAGGTGCCAGGAGCGAGTGAG-3'

ClinVar aggregate classification (germline): Likely pathogenic (1 of 4 stars; one submission).

Conditions:
Cerebrooculofacioskeletal syndrome 4 (COFS4). Identifiers: MedGen C1853100, MONDO:0012554, OMIM 610758.

Submission:

Neuberg Centre For Genomic Medicine, NCGM
Classification: Likely pathogenic for Cerebrooculofacioskeletal syndrome 4. Review status: criteria provided, single submitter. Criteria: ACMG Guidelines, 2015. Collection method: clinical testing. Allele origin: germline. Inheritance: Autosomal recessive inheritance. Affected: yes.
Comment: The frameshift c.23dupp.Val10GlyfsTer21 variant in ERCC1 gene has not been reported previously as a pathogenic variant nor as a benign variant, to our knowledge. The observed variant is absent in gnomAD exomes database. This variant has not been submitted to the ClinVar database. This variant causes a frameshift starting with codon Valine 10, changes this amino acid to Glycine residue, and creates a premature Stop codon at position 21 of the new reading frame, denoted p.Val10GlyfsTer21. This variant is predicted to cause loss of normal protein function through protein truncation. Loss of function variants have been previously reported to be disease causing. For these reasons, this variant has been classified as Likely Pathogenic.